The following is an entry in ClinVar:

NM_004304.5(ALK):c.2645G>A (p.Gly882Asp)

Gene: ALK (ALK receptor tyrosine kinase; minus strand). Cytogenetic location: 2p23.2.
Variant type: single nucleotide variant.
Coding change: c.2645G>A on transcript NM_004304.5 (MANE Select); coding-DNA position 2645, G replaced by A.
Protein change: p.Gly882Asp; replaces glycine 882 with aspartic acid.
Molecular consequence: missense variant.
Genome position (GRCh38, 1-based): chr2:29,229,054, C>T on the plus strand (G>A on the coding strand, the complement: ALK is on the minus strand). VCF-style: chr2-29229054-C-T. GRCh37 (hg19) VCF-style: chr2-29451920-C-T.
Other names: short protein forms G882D.
Identifiers: ClinVar variation 2624794 (VCV002624794.2), dbSNP rs2148180723, ClinGen allele CA346470091.

ClinVar aggregate classification (germline): Uncertain significance (1 of 4 stars; one submission).

Conditions:
Hereditary cancer-predisposing syndrome. Also called: Tumor predisposition; Hereditary Cancer Syndrome; Hereditary neoplastic syndrome; Neoplastic Syndromes, Hereditary. Identifiers: Orphanet 140162, MedGen C0027672, MeSH D009386, MONDO:0015356.

Submission:

Ambry Genetics
Classification: Uncertain significance for Hereditary cancer-predisposing syndrome. Last evaluated: 2023-07-19. Review status: criteria provided, single submitter. Criteria: Ambry Variant Classification Scheme 2023. Collection method: clinical testing. Allele origin: germline.
Comment: The p.G882D variant (also known as c.2645G>A), located in coding exon 16 of the ALK gene, results from a G to A substitution at nucleotide position 2645. The glycine at codon 882 is replaced by aspartic acid, an amino acid with similar properties. This amino acid position is conserved. In addition, the in silico prediction for this alteration is inconclusive. Since supporting evidence is limited at this time, the clinical significance of this alteration remains unclear.